The following is an entry in ClinVar:

NM_018192.4(P3H2):c.11G>A (p.Arg4His)

Genes: P3H2 (prolyl 3-hydroxylase 2; minus strand), LOC123464484 (Sharpr-MPRA regulatory region 10063; plus strand). Cytogenetic location: 3q28.
Variant type: single nucleotide variant.
Coding change: c.11G>A on transcript NM_018192.4 (MANE Select); coding-DNA position 11, G replaced by A.
Protein change: p.Arg4His; replaces arginine 4 with histidine.
Molecular consequence: missense variant. On other transcripts: intron variant (1).
Genome position (GRCh38, 1-based): chr3:190,120,721, C>T on the plus strand (G>A on the coding strand, the complement: P3H2 is on the minus strand). VCF-style: chr3-190120721-C-T. GRCh37 (hg19) VCF-style: chr3-189838510-C-T.
Other names: c.-64+1482G>A (NM_001134418.2); short protein forms R4H.
Identifiers: ClinVar variation 841671 (VCV000841671.7), dbSNP rs539514733, ClinGen allele CA90197242.

ClinVar aggregate classification (germline): Uncertain significance. Review status: criteria provided, multiple submitters, no conflicts (2 of 4 stars). 2 submissions from 2 submitters: Uncertain significance (2). Last evaluated 2024-05-06.

Conditions:
Inborn genetic diseases. Identifiers: MedGen C0950123, MeSH D030342.

Allele frequency attached by ClinVar (database versions not stated): gnomAD exomes 0.00001 and 0.00002; gnomAD 0.00004 and 0.00005; TOPMed 0.00005; 1000 Genomes Project 0.00020; 1000 Genomes Project 30x 0.00031.
gnomAD v4.1: 16 of 1,520,162 alleles (0.0011%); highest among the groups gnomAD compares: African/African-American, 0.013%; no homozygotes.

Submissions (2):

Labcorp Genetics (formerly Invitae), Labcorp
Classification: Uncertain significance. Last evaluated: 2024-05-06. Review status: criteria provided, single submitter. Criteria: Invitae Variant Classification Sherloc (09022015). Collection method: clinical testing. Allele origin: germline.
Comment: This sequence change replaces arginine, which is basic and polar, with histidine, which is basic and polar, at codon 4 of the P3H2 protein (p.Arg4His). The frequency data for this variant in the population databases is considered unreliable, as metrics indicate poor data quality at this position in the gnomAD database. This variant has not been reported in the literature in individuals affected with P3H2-related conditions. ClinVar contains an entry for this variant (Variation ID: 841671). An algorithm developed to predict the effect of missense changes on protein structure and function (PolyPhen-2) suggests that this variant is likely to be tolerated. In summary, the available evidence is currently insufficient to determine the role of this variant in disease. Therefore, it has been classified as a Variant of Uncertain Significance.

Ambry Genetics
Classification: Uncertain significance for Inborn genetic diseases. Last evaluated: 2023-12-20. Review status: criteria provided, single submitter. Criteria: Ambry Variant Classification Scheme 2023. Collection method: clinical testing. Allele origin: germline.